The following is an entry in ClinVar:

NM_194454.3(KRIT1):c.1818+4A>G

Gene: KRIT1 (KRIT1 ankyrin repeat containing; minus strand). Cytogenetic location: 7q21.2.
Variant type: single nucleotide variant.
Coding change: c.1818+4A>G on transcript NM_194454.3 (MANE Select); 4 bases into the intron after coding-DNA position 1818, A replaced by G.
Molecular consequence: intron variant.
Genome position (GRCh38, 1-based): chr7:92,213,888, T>C on the plus strand (A>G on the coding strand, the complement: KRIT1 is on the minus strand). VCF-style: chr7-92213888-T-C. GRCh37 (hg19) VCF-style: chr7-91843202-T-C.
Other names: c.1818+4A>G (NM_001350672.1, NM_001350676.1, NM_001350673.1 and 26 more transcripts); c.1674+4A>G (NM_001350669.1, NM_001013406.2, NM_001350670.1); c.1104+4A>G (NM_001350671.1).
Identifiers: ClinVar variation 659111 (VCV000659111.7), dbSNP rs193035191, ClinGen allele CA4339023.

ClinVar aggregate classification (germline): Uncertain significance (1 of 4 stars; one submission).

Conditions:
Cerebral cavernous malformation (CCM). Also called: Cavernous Hemangioma of Brain; Cerebral cavernous hemangioma (type); Cerebral cavernous malformations; CAVERNOUS ANGIOMA, FAMILIAL; CAVERNOUS ANGIOMATOUS MALFORMATIONS; CEREBRAL CAPILLARY MALFORMATIONS. Identifiers: Orphanet 221061, MedGen C2919945, MONDO:0000820, OMIM 116860, HP:0033522.

Allele frequency attached by ClinVar (database versions not stated): gnomAD exomes 0.00002 and 0.00003; ExAC 0.00003; ESP Exome Variant Server 0.00015; 1000 Genomes Project 0.00020; gnomAD 0.00020 and 0.00023; TOPMed 0.00023; 1000 Genomes Project 30x 0.00031.
gnomAD v4.1: 57 of 1,545,952 alleles (0.0037%); highest among the groups gnomAD compares: African/African-American, 0.072%; no homozygotes.

Submission:

Labcorp Genetics (formerly Invitae), Labcorp
Classification: Uncertain significance for Cerebral cavernous malformation. Last evaluated: 2025-05-23. Review status: criteria provided, single submitter. Criteria: Invitae Variant Classification Sherloc (09022015). Collection method: clinical testing. Allele origin: germline.
Comment: This sequence change falls in intron 17 of the KRIT1 gene. It does not directly change the encoded amino acid sequence of the KRIT1 protein. It affects a nucleotide within the consensus splice site. This variant is present in population databases (rs193035191, gnomAD 0.07%), and has an allele count higher than expected for a pathogenic variant. This variant has not been reported in the literature in individuals affected with KRIT1-related conditions. ClinVar contains an entry for this variant (Variation ID: 659111). Variants that disrupt the consensus splice site are a relatively common cause of aberrant splicing (PMID: 17576681, 9536098). Algorithms developed to predict the effect of sequence changes on RNA splicing suggest that this variant is not likely to affect RNA splicing. In summary, the available evidence is currently insufficient to determine the role of this variant in disease. Therefore, it has been classified as a Variant of Uncertain Significance.

Literature cited by the submitters: PubMed 17576681; PubMed 9536098.